The following is an entry in ClinVar:

ClinVar aggregate classification (germline): Uncertain significance (1 of 4 stars; one submission).

Conditions:
Cardiovascular phenotype. Identifiers: MedGen CN230736.

Submission:

Ambry Genetics
Classification: Uncertain significance for Cardiovascular phenotype. Last evaluated: 2020-03-20. Review status: criteria provided, single submitter. Criteria: Ambry Variant Classification Scheme 2023. Collection method: clinical testing. Allele origin: germline.
Comment: The p.A559P variant (also known as c.1675G>C), located in coding exon 11 of the ABCG8 gene, results from a G to C substitution at nucleotide position 1675. The alanine at codon 559 is replaced by proline, an amino acid with highly similar properties. This amino acid position is poorly conserved in available vertebrate species. In addition, the in silico prediction for this alteration is inconclusive. Since supporting evidence is limited at this time, the clinical significance of this alteration remains unclear.

NM_022437.3(ABCG8):c.1675G>C (p.Ala559Pro)

Gene: ABCG8 (ATP binding cassette subfamily G member 8; plus strand). Cytogenetic location: 2p21.
Variant type: single nucleotide variant.
Coding change: c.1675G>C on transcript NM_022437.3 (MANE Select); coding-DNA position 1675, G replaced by C.
Protein change: p.Ala559Pro; replaces alanine 559 with proline.
Molecular consequence: missense variant.
Genome position (GRCh38, 1-based): chr2:43,875,332, G>C. VCF-style: chr2-43875332-G-C. GRCh37 (hg19) VCF-style: chr2-44102471-G-C.
Other names: c.1672G>C, p.Ala558Pro (NM_001357321.2); short protein forms A558P, A559P.
Identifiers: ClinVar variation 1777781 (VCV001777781.2), dbSNP rs886056036, ClinGen allele CA346670563.
Genomic context (GRCh38, chr2:43,875,332, plus strand): 5'-GTCTTCTGTTGCAGGATTATGGCCCTGGCCGCCGCGGCCCTGCTCCCCACCTTCCACATG[G>C]CCTCCTTCTTCAGCAATGCCCTCTACAACTCCTTCTACCTCGCCGGGGGCTTCATGATAA-3'
Protein context (NP_071882.1, residues 549-569): AAALLPTFHM[Ala559Pro]SFFSNALYNS